The following is an entry in ClinVar:

NM_021813.4(BACH2):c.1417T>C (p.Ser473Pro)

Gene: BACH2 (BACH transcriptional regulator 2; minus strand). Cytogenetic location: 6q15.
Variant type: single nucleotide variant.
Coding change: c.1417T>C on transcript NM_021813.4 (MANE Select); coding-DNA position 1417, T replaced by C.
Protein change: p.Ser473Pro; replaces serine 473 with proline.
Molecular consequence: missense variant.
Genome position (GRCh38, 1-based): chr6:89,950,689, A>G on the plus strand (T>C on the coding strand, the complement: BACH2 is on the minus strand). VCF-style: chr6-89950689-A-G. GRCh37 (hg19) VCF-style: chr6-90660408-A-G.
Other names: c.1417T>C, p.Ser473Pro (NM_001170794.2); short protein forms S473P.
Identifiers: ClinVar variation 3696024 (VCV003696024.2).
Genomic context (GRCh38, chr6:89,950,689, plus strand): 5'-TTCCTGGCAAGTGGTCGGCCATCAGCCCACCGTGGGAGTAGGCCTGCGAGCTGGGGAGGG[A>G]CTGGCCGGCTCCCACCCACAGACCCTTTGGCACCGGCTCAGAGAGGTCTTTGTCCAAACT-3'
Protein context (NP_068585.1, residues 463-483): PKGLWVGAGQ[Ser473Pro]LPSSQAYSHG

ClinVar aggregate classification (germline): Uncertain significance (1 of 4 stars; one submission).

gnomAD v4.1: 3 of 1,614,008 alleles (0.00019%); highest among the groups gnomAD compares: South Asian, 0.0011%; no homozygotes.

Submission:

Labcorp Genetics (formerly Invitae), Labcorp
Classification: Uncertain significance. Last evaluated: 2025-01-20. Review status: criteria provided, single submitter. Criteria: Invitae Variant Classification Sherloc (09022015). Collection method: clinical testing. Allele origin: germline.
Comment: This sequence change replaces serine, which is neutral and polar, with proline, which is neutral and non-polar, at codon 473 of the BACH2 protein (p.Ser473Pro). This variant is not present in population databases (gnomAD no frequency). This variant has not been reported in the literature in individuals affected with BACH2-related conditions. Invitae Evidence Modeling of protein sequence and biophysical properties (such as structural, functional, and spatial information, amino acid conservation, physicochemical variation, residue mobility, and thermodynamic stability) indicates that this missense variant is not expected to disrupt BACH2 protein function with a negative predictive value of 80%. In summary, the available evidence is currently insufficient to determine the role of this variant in disease. Therefore, it has been classified as a Variant of Uncertain Significance.